The following is an entry in ClinVar:

NM_015450.3(POT1):c.209C>G (p.Pro70Arg)

Gene: POT1 (protection of telomeres 1; minus strand). Cytogenetic location: 7q31.33.
Variant type: single nucleotide variant.
Coding change: c.209C>G on transcript NM_015450.3 (MANE Select); coding-DNA position 209, C replaced by G.
Protein change: p.Pro70Arg; replaces proline 70 with arginine.
Molecular consequence: missense variant. On other transcripts: non-coding transcript variant (3), intron variant (1).
Genome position (GRCh38, 1-based): chr7:124,870,957, G>C on the plus strand (C>G on the coding strand, the complement: POT1 is on the minus strand). VCF-style: chr7-124870957-G-C. GRCh37 (hg19) VCF-style: chr7-124511011-G-C.
Other names: c.-138-7317C>G (NM_001042594.2); short protein forms P70R.
Identifiers: ClinVar variation 4141925 (VCV004141925.1).
Genomic context (GRCh38, chr7:124,870,957, plus strand): 5'-AATATGAATTATACCTTCAGCCTGTGAAAGCGAACAATATCTCCATTTTTATAAATTATT[G>C]GAAGGGCTTCATAGTTTCCACTAAAGAGCAGGCAAGTTAGTTTTACATTTGTCTGGTCCA-3'
Protein context (NP_056265.2, residues 60-80): LLFSGNYEAL[Pro70Arg]IIYKNGDIVR

ClinVar aggregate classification (germline): Uncertain significance (1 of 4 stars; one submission).

Conditions:
Hereditary cancer-predisposing syndrome. Also called: Hereditary neoplastic syndrome; Neoplastic Syndromes, Hereditary; Tumor predisposition; Hereditary Cancer Syndrome. Identifiers: Orphanet 140162, MedGen C0027672, MeSH D009386, MONDO:0015356.

Submission:

Ambry Genetics
Classification: Uncertain significance for Hereditary cancer-predisposing syndrome. Last evaluated: 2025-06-29. Review status: criteria provided, single submitter. Criteria: Ambry Variant Classification Scheme 2023. Collection method: clinical testing. Allele origin: germline.
Comment: The p.P70R variant (also known as c.209C>G), located in coding exon 3 of the POT1 gene, results from a C to G substitution at nucleotide position 209. The proline at codon 70 is replaced by arginine, an amino acid with dissimilar properties. This amino acid position is conserved. In addition, this alteration is predicted to be deleterious by in silico analysis. Based on the available evidence, the clinical significance of this variant remains unclear.